The following is an entry in ClinVar:

NM_001303256.3(MORC2):c.1322G>A (p.Arg441Gln)

Gene: MORC2 (MORC family CW-type zinc finger 2; minus strand). Cytogenetic location: 22q12.2.
Variant type: single nucleotide variant.
Coding change: c.1322G>A on transcript NM_001303256.3 (MANE Select); coding-DNA position 1322, G replaced by A.
Protein change: p.Arg441Gln; replaces arginine 441 with glutamine.
Molecular consequence: missense variant.
Genome position (GRCh38, 1-based): chr22:30,937,862, C>T on the plus strand (G>A on the coding strand, the complement: MORC2 is on the minus strand). VCF-style: chr22-30937862-C-T. GRCh37 (hg19) VCF-style: chr22-31333849-C-T.
Other names: c.1322G>A, p.Arg441Gln (NM_001303257.2); c.1136G>A, p.Arg379Gln (NM_014941.3); short protein forms R379Q, R441Q.
Identifiers: ClinVar variation 4778264 (VCV004778264.1).

ClinVar aggregate classification (germline): Uncertain significance (1 of 4 stars; one submission).

Conditions:
Charcot-Marie-Tooth disease axonal type 2Z. Also called: CHARCOT-MARIE-TOOTH DISEASE, AXONAL, AUTOSOMAL DOMINANT, TYPE 2Z; CHARCOT-MARIE-TOOTH NEUROPATHY, TYPE 2Z. Identifiers: Orphanet 466768, MedGen C5569025, MONDO:0014736, OMIM 616688.

gnomAD v4.1: 4 of 1,614,130 alleles (0.00025%); highest among the groups gnomAD compares: Non-Finnish European, 0.00034%; no homozygotes.

Submission:

Labcorp Genetics (formerly Invitae), Labcorp
Classification: Uncertain significance for Charcot-Marie-Tooth disease axonal type 2Z. Last evaluated: 2025-04-15. Review status: criteria provided, single submitter. Criteria: Invitae Variant Classification Sherloc (09022015). Collection method: clinical testing. Allele origin: germline.
Comment: This sequence change replaces arginine, which is basic and polar, with glutamine, which is neutral and polar, at codon 441 of the MORC2 protein (p.Arg441Gln). This variant is not present in population databases (gnomAD no frequency). This variant has not been reported in the literature in individuals affected with MORC2-related conditions. Invitae Evidence Modeling of protein sequence and biophysical properties (such as structural, functional, and spatial information, amino acid conservation, physicochemical variation, residue mobility, and thermodynamic stability) indicates that this missense variant is not expected to disrupt MORC2 protein function with a negative predictive value of 95%. In summary, the available evidence is currently insufficient to determine the role of this variant in disease. Therefore, it has been classified as a Variant of Uncertain Significance.